The following is an entry in ClinVar:

NM_005159.5(ACTC1):c.990+6G>T

Genes: ACTC1 (actin alpha cardiac muscle 1; minus strand), GJD2-DT (GJD2 divergent transcript; plus strand). Cytogenetic location: 15q14.
Variant type: single nucleotide variant.
Coding change: c.990+6G>T on transcript NM_005159.5 (MANE Select); 6 bases into the intron after coding-DNA position 990, G replaced by T.
Molecular consequence: intron variant.
Genome position (GRCh38, 1-based): chr15:34,791,108, C>A on the plus strand (G>T on the coding strand, the complement: ACTC1 is on the minus strand). VCF-style: chr15-34791108-C-A. GRCh37 (hg19) VCF-style: chr15-35083309-C-A.
Other names: c.990+6G>T (NM_001406483.1, NM_001406482.1); c.549+6G>T (NM_001406485.1); c.855+6G>T (NM_001406484.1).
Identifiers: ClinVar variation 3895418 (VCV003895418.1).

ClinVar aggregate classification (germline): Uncertain significance (1 of 4 stars; one submission).

Conditions:
Cardiovascular phenotype. Identifiers: MedGen CN230736.

Submission:

Molecular Diagnostic Laboratory for Inherited Cardiovascular Disease, Montreal Heart Institute
Classification: Uncertain significance for Cardiovascular phenotype. Last evaluated: 2025-04-09. Review status: criteria provided, single submitter. Criteria: ACMG Guidelines, 2015. Collection method: clinical testing. Allele origin: germline. Affected: yes.
Comment: PM2